The following is an entry in ClinVar:

NM_006445.4(PRPF8):c.1736A>G (p.Gln579Arg)

Gene: PRPF8 (pre-mRNA processing factor 8; minus strand). Cytogenetic location: 17p13.3.
Variant type: single nucleotide variant.
Coding change: c.1736A>G on transcript NM_006445.4 (MANE Select); coding-DNA position 1736, A replaced by G.
Protein change: p.Gln579Arg; replaces glutamine 579 with arginine.
Molecular consequence: missense variant.
Genome position (GRCh38, 1-based): chr17:1,678,636, T>C on the plus strand (A>G on the coding strand, the complement: PRPF8 is on the minus strand). VCF-style: chr17-1678636-T-C. GRCh37 (hg19) VCF-style: chr17-1581930-T-C.
Other names: short protein forms Q579R.
Identifiers: ClinVar variation 1054887 (VCV001054887.5), dbSNP rs2151129473, ClinGen allele CA397558726.

ClinVar aggregate classification (germline): Uncertain significance (1 of 4 stars; one submission).

Submission:

Labcorp Genetics (formerly Invitae), Labcorp
Classification: Uncertain significance. Last evaluated: 2024-10-23. Review status: criteria provided, single submitter. Criteria: Invitae Variant Classification Sherloc (09022015). Collection method: clinical testing. Allele origin: germline.
Comment: This sequence change replaces glutamine, which is neutral and polar, with arginine, which is basic and polar, at codon 579 of the PRPF8 protein (p.Gln579Arg). This variant is not present in population databases (gnomAD no frequency). This variant has not been reported in the literature in individuals affected with PRPF8-related conditions. ClinVar contains an entry for this variant (Variation ID: 1054887). Invitae Evidence Modeling of protein sequence and biophysical properties (such as structural, functional, and spatial information, amino acid conservation, physicochemical variation, residue mobility, and thermodynamic stability) indicates that this missense variant is not expected to disrupt PRPF8 protein function with a negative predictive value of 80%. In summary, the available evidence is currently insufficient to determine the role of this variant in disease. Therefore, it has been classified as a Variant of Uncertain Significance.